The following is an entry in ClinVar:

NM_000222.3(KIT):c.316T>G (p.Ser106Ala)

Gene: KIT (KIT proto-oncogene, receptor tyrosine kinase; plus strand). Cytogenetic location: 4q12.
Variant type: single nucleotide variant.
Coding change: c.316T>G on transcript NM_000222.3 (MANE Select); coding-DNA position 316, T replaced by G.
Protein change: p.Ser106Ala; replaces serine 106 with alanine.
Molecular consequence: missense variant.
Genome position (GRCh38, 1-based): chr4:54,695,760, T>G. VCF-style: chr4-54695760-T-G. GRCh37 (hg19) VCF-style: chr4-55561926-T-G.
Other names: c.316T>G, p.Ser106Ala (NM_001093772.2, NM_001385284.1, NM_001385285.1 and 4 more transcripts); short protein forms S106A.
Identifiers: ClinVar variation 951771 (VCV000951771.10), dbSNP rs1720024166, ClinGen allele CA356897314.

ClinVar aggregate classification (germline): Uncertain significance (1 of 4 stars; one submission).

Conditions:
Gastrointestinal stromal tumor. Also called: Gastrointestinal stromal tumor, somatic; Gastrointestinal stroma tumor. Identifiers: Orphanet 44890, MedGen C0238198, MeSH D046152, MONDO:0011719, OMIM 606764, HP:0100723.

Submission:

Labcorp Genetics (formerly Invitae), Labcorp
Classification: Uncertain significance for Gastrointestinal stromal tumor. Last evaluated: 2019-06-24. Review status: criteria provided, single submitter. Criteria: Invitae Variant Classification Sherloc (09022015). Collection method: clinical testing. Allele origin: germline.
Comment: This sequence change replaces serine with alanine at codon 106 of the KIT protein (p.Ser106Ala). The serine residue is highly conserved and there is a moderate physicochemical difference between serine and alanine. This variant is not present in population databases (ExAC no frequency). This variant has not been reported in the literature in individuals with KIT-related conditions. Algorithms developed to predict the effect of missense changes on protein structure and function (SIFT, PolyPhen-2, Align-GVGD) all suggest that this variant is likely to be disruptive, but these predictions have not been confirmed by published functional studies and their clinical significance is uncertain. In summary, the available evidence is currently insufficient to determine the role of this variant in disease. Therefore, it has been classified as a Variant of Uncertain Significance.